The following is an entry in ClinVar:

ClinVar aggregate classification (germline): Uncertain significance (1 of 4 stars; one submission).

gnomAD v4.1: 1 of 1,614,060 alleles (0.000062%); no homozygotes.

Submission:

GeneDx
Classification: Uncertain significance. Last evaluated: 2024-02-23. Review status: criteria provided, single submitter. Criteria: GeneDx Variant Classification Process June 2021. Collection method: clinical testing. Allele origin: germline. Affected: yes.
Comment: Not observed at significant frequency in large population cohorts (gnomAD); In silico analysis supports that this missense variant does not alter protein structure/function; Has not been previously published as pathogenic or benign to our knowledge

NM_183357.3(ADCY5):c.3190T>C (p.Tyr1064His)

Gene: ADCY5 (adenylate cyclase 5; minus strand). Cytogenetic location: 3q21.1.
Variant type: single nucleotide variant.
Coding change: c.3190T>C on transcript NM_183357.3 (MANE Select); coding-DNA position 3190, T replaced by C.
Protein change: p.Tyr1064His; replaces tyrosine 1064 with histidine.
Molecular consequence: missense variant.
Genome position (GRCh38, 1-based): chr3:123,291,250, A>G on the plus strand (T>C on the coding strand, the complement: ADCY5 is on the minus strand). VCF-style: chr3-123291250-A-G. GRCh37 (hg19) VCF-style: chr3-123010097-A-G.
Other names: c.2140T>C, p.Tyr714His (NM_001199642.1); c.3265T>C, p.Tyr1089His (NM_001378259.1); short protein forms Y1064H, Y1089H, Y714H.
Identifiers: ClinVar variation 3369451 (VCV003369451.1).